The following is an entry in ClinVar:

ClinVar aggregate classification (germline): Pathogenic/Likely pathogenic. Review status: criteria provided, multiple submitters, no conflicts (2 of 4 stars). 2 submissions from 2 submitters: Pathogenic (1); Likely pathogenic (1). Last evaluated 2025-12-16.

Conditions:
Vascular skin disorders.

Submissions (2):

Genetics Laboratory, Great Ormond Street Hospital NHS Foundation Trust, North Thames Genomic Laboratory Hub
Classification: Pathogenic for Vascular skin disorders. Last evaluated: 2025-12-16. Review status: criteria provided, single submitter. Criteria: ACGS Best Practice Guidelines for Variant Classification in Rare Disease 2024 v1.2. Collection method: clinical testing. Allele origin: germline. Affected: yes.
Comment: PM2_moderate, PVS1_very-strong

Laboratorio de Genetica e Diagnostico Molecular, Hospital Israelita Albert Einstein
Classification: Likely pathogenic. Last evaluated: 2021-08-11. Review status: criteria provided, single submitter. Criteria: ACMG Guidelines, 2015. Collection method: clinical testing. Allele origin: germline. Affected: yes.
Comment: ACMG classification criteria: PVS1, PM2

NM_053274.3(GLMN):c.971dup (p.Leu324fs)

Gene: GLMN (glomulin, FKBP associated protein; minus strand). Cytogenetic location: 1p22.1.
Variant type: Duplication.
Coding change: c.971dup on transcript NM_053274.3 (MANE Select); coding-DNA position 971, one base duplicated (T; older notation c.971dupT).
Protein change: p.Leu324fs; shifts the reading frame from leucine 324.
Molecular consequence: frameshift variant. On other transcripts: non-coding transcript variant (1).
Genome position (GRCh38, 1-based): chr1:92,269,729, A duplicated on the plus strand (T on the coding strand, the reverse complement: GLMN is on the minus strand); the first of 5 consecutive A bases (chr1:92,269,729-92,269,733); duplicating any one gives the same sequence. VCF-style (leftmost placement, unchanged base first): chr1-92269728-C-CA. GRCh37 (hg19) VCF-style: chr1-92735285-C-CA.
Other names: c.971dupT (NM_053274.3); c.971dup, p.Leu324fs (NM_001319683.2); short protein forms L324fs.
Identifiers: ClinVar variation 1690424 (VCV001690424.3), dbSNP rs2100916637, ClinGen allele CA2573132615.